The following is an entry in ClinVar:

NM_001164508.2(NEB):c.9363T>C (p.Pro3121=)

Gene: NEB (nebulin; minus strand). Cytogenetic location: 2q23.3.
Variant type: single nucleotide variant.
Coding change: c.9363T>C on transcript NM_001164508.2 (MANE Select); coding-DNA position 9363, T replaced by C.
Protein change: p.Pro3121=; no amino-acid change (proline 3121 retained).
Molecular consequence: synonymous variant. On other transcripts: intron variant (1).
Genome position (GRCh38, 1-based): chr2:151,633,705, A>G on the plus strand (T>C on the coding strand, the complement: NEB is on the minus strand). VCF-style: chr2-151633705-A-G. GRCh37 (hg19) VCF-style: chr2-152490219-A-G.
Other names: p.Pro3121=; c.9363T>C, p.Pro3121= (NM_001164507.2, NM_001271208.2); c.8854-2527T>C (NM_004543.5).
Identifiers: ClinVar variation 226848 (VCV000226848.21), dbSNP rs6709886, ClinGen allele CA1909349.

ClinVar aggregate classification (germline): Benign. Review status: criteria provided, multiple submitters, no conflicts (2 of 4 stars). 11 submissions from 10 submitters: Benign (10). 1 of the submissions does not count toward it. Last evaluated 2026-02-04.

Conditions:
Nemaline myopathy 2 (NEM2). Also called: Nemaline myopathy 2, autosomal recessive. Identifiers: MedGen C1850569, MONDO:0009725, OMIM 256030.
Arthrogryposis multiplex congenita 6. Identifiers: MedGen C5543431, MONDO:0030281, OMIM 619334.

Allele frequency attached by ClinVar (database versions not stated): ESP Exome Variant Server 0.59877; 1000 Genomes Project 30x 0.61852; TOPMed 0.61919; gnomAD 0.62301; 1000 Genomes Project 0.62600.
gnomAD v4.1: 1,032,149 of 1,613,716 alleles (64%); highest among the groups gnomAD compares: East Asian, 82%; 333,017 homozygotes.

Submissions (11):

Labcorp Genetics (formerly Invitae), Labcorp
Classification: Benign for Nemaline myopathy 2. Last evaluated: 2026-02-04. Review status: criteria provided, single submitter. Criteria: Invitae Variant Classification Sherloc (09022015). Collection method: clinical testing. Allele origin: germline.

Blueprint Genetics
Classification: Benign. Last evaluated: 2024-11-26. Review status: criteria provided, single submitter. Criteria: ACMG Guidelines, 2015. Collection method: clinical testing. Allele origin: germline.

Mayo Clinic Laboratories, Mayo Clinic
Classification: Benign. Last evaluated: 2022-03-24. Review status: criteria provided, single submitter. Criteria: ACMG Guidelines, 2015. Collection method: clinical testing. Allele origin: germline. Observed: 285 variant alleles.

Genome-Nilou Lab
Classification: Benign for Arthrogryposis multiplex congenita 6. Last evaluated: 2021-07-10. Review status: criteria provided, single submitter. Criteria: ACMG Guidelines, 2015. Collection method: clinical testing. Allele origin: germline. Affected: no.

Genome-Nilou Lab
Classification: Benign for Nemaline myopathy 2. Last evaluated: 2021-07-10. Review status: criteria provided, single submitter. Criteria: ACMG Guidelines, 2015. Collection method: clinical testing. Allele origin: germline. Affected: no.

Women's Health and Genetics/Laboratory Corporation of America, LabCorp
Classification: Benign. Last evaluated: 2017-02-27. Review status: criteria provided, single submitter. Criteria: LabCorp Variant Classification Summary - May 2015. Collection method: clinical testing. Allele origin: germline.
Comment: Variant summary: The NEB c.9363T>C (p.Pro3121Pro) variant involves the alteration of a non-conserved nucleotide, resulting in a synonymous change. One in silico tool predicts a polymorphism outcome for this variant. 5/5 splice prediction tools predict no significant impact on normal splicing. This variant was found in 76809/120740 control chromosomes (24834 homozygotes) at a frequency of 0.6361521, which is approximately 180 times the estimated maximal expected allele frequency of a pathogenic NEB variant (0.0035355), evidence that this variant is a benign polymorphism. In addition, multiple clinical diagnostic laboratories/reputable databases classified this variant as benign. The variant of interest has not, to our knowledge, been reported in affected individuals via publications nor evaluated for functional impact by in vivo/vitro studies. Taken together, this variant is classified as benign.

GeneDx
Classification: Benign. Last evaluated: 2016-01-05. Review status: criteria provided, single submitter. Criteria: GeneDx Variant Classification (06012015). Collection method: clinical testing. Allele origin: germline. Affected: yes.
Comment: This variant is considered likely benign or benign based on one or more of the following criteria: it is a conservative change, it occurs at a poorly conserved position in the protein, it is predicted to be benign by multiple in silico algorithms, and/or has population frequency not consistent with disease.

Laboratory for Molecular Medicine, Mass General Brigham Personalized Medicine
Classification: Benign. Last evaluated: 2014-11-26. Review status: criteria provided, single submitter. Criteria: LMM Criteria. Collection method: clinical testing. Allele origin: germline. Observed: 10 variant alleles.
Comment: This is a RefSeq error. The reference base (c.9363T) is the minor allele. This a llele (T) has been identified in 36% (1162/3182) of European American chromosome s and 48% (670/1384) of African American chromosomes by the NHLBI Exome Sequenci ng Project (dbSNP rs6709886) and thus meets c riteria to be classified as benign.

Breakthrough Genomics
Classification: Benign. Review status: criteria provided, single submitter. Criteria: ACMG Guidelines, 2015. Collection method: not provided. Allele origin: germline. Inheritance: Autosomal recessive inheritance. Affected: yes.

PreventionGenetics, part of Exact Sciences
Classification: Benign. Review status: criteria provided, single submitter. Criteria: ACMG Guidelines, 2015. Collection method: clinical testing. Allele origin: germline.

Natera, Inc.
Classification: Benign for Nemaline myopathy type 2. Last evaluated: 2020-09-16. Review status: no assertion criteria provided. Collection method: clinical testing. Allele origin: germline. Not counted in ClinVar's aggregate classification.